The following is an entry in ClinVar:

ClinVar aggregate classification (germline): Likely pathogenic (1 of 4 stars; one submission).

Conditions:
Holocarboxylase synthetase deficiency. Also called: MULTIPLE CARBOXYLASE DEFICIENCY, EARLY ONSET. Identifiers: Orphanet 79242, MedGen C0268581, MONDO:0009666, OMIM 253270.

Submission:

Myriad Genetics, Inc.
Classification: Likely pathogenic for Holocarboxylase synthetase deficiency. Last evaluated: 2021-12-17. Review status: criteria provided, single submitter. Criteria: Myriad Women's Health Autosomal Recessive and X-Linked Classification Criteria (2021). Collection method: clinical testing. Allele origin: unknown.
Comment: NM_000411.6(HLCS):c.1025_1031del7ins3(N342Sfs*26) is expected to be pathogenic in the context of holocarboxylase synthetase deficiency. This variant is predicted to lead to an abnormal or absent protein product due to the creation of a premature termination codon in HLCS, a gene where loss-of-function variants are known to be pathogenic. Please note: this variant was assessed in the context of healthy population screening.

NM_001352514.2(HLCS):c.1466_1472delinsGCA (p.Asn489fs)

Gene: HLCS (holocarboxylase synthetase; minus strand). Cytogenetic location: 21q22.13.
Variant type: Indel.
Coding change: c.1466_1472delinsGCA on transcript NM_001352514.2 (MANE Select); coding-DNA positions 1466 to 1472, ACATAGT replaced by GCA.
Protein change: p.Asn489fs; shifts the reading frame from asparagine 489.
Molecular consequence: frameshift variant. On other transcripts: non-coding transcript variant (2).
Genome position (GRCh38, 1-based): chr21:36,930,399-36,930,405, ACTATGT replaced by TGC on the plus strand (ACATAGT replaced by GCA on the coding strand, the reverse complement: HLCS is on the minus strand). VCF-style: chr21-36930399-ACTATGT-TGC. GRCh37 (hg19) VCF-style: chr21-38302699-ACTATGT-TGC.
Other names: c.1025_1031delinsGCA, p.Asn342fs (NM_000411.8, NM_001242784.3, NM_001242785.2 and 4 more transcripts); short protein forms N342fs, N489fs.
Identifiers: ClinVar variation 1726494 (VCV001726494.2), dbSNP rs2517547806, ClinGen allele CA2580098660.